The following is an entry in ClinVar:

ClinVar aggregate classification (germline): Uncertain significance (1 of 4 stars; one submission).

Conditions:
Hereditary cancer-predisposing syndrome. Also called: Tumor predisposition; Hereditary neoplastic syndrome; Hereditary Cancer Syndrome; Neoplastic Syndromes, Hereditary. Identifiers: Orphanet 140162, MedGen C0027672, MeSH D009386, MONDO:0015356.

Submission:

Ambry Genetics
Classification: Uncertain significance for Hereditary cancer-predisposing syndrome. Last evaluated: 2023-11-15. Review status: criteria provided, single submitter. Criteria: Ambry Variant Classification Scheme 2023. Collection method: clinical testing. Allele origin: germline.
Comment: The p.G240R variant (also known as c.718G>C), located in coding exon 3 of the PHOX2B gene, results from a G to C substitution at nucleotide position 718. The glycine at codon 240 is replaced by arginine, an amino acid with dissimilar properties. This amino acid position is conserved. In addition, this alteration is predicted to be tolerated by in silico analysis. Since supporting evidence is limited at this time, the clinical significance of this alteration remains unclear.

NM_003924.4(PHOX2B):c.718G>C (p.Gly240Arg)

Gene: PHOX2B (paired like homeobox 2B; minus strand). Cytogenetic location: 4p13.
Variant type: single nucleotide variant.
Coding change: c.718G>C on transcript NM_003924.4 (MANE Select); coding-DNA position 718, G replaced by C.
Protein change: p.Gly240Arg; replaces glycine 240 with arginine.
Molecular consequence: missense variant.
Genome position (GRCh38, 1-based): chr4:41,746,034, C>G on the plus strand (G>C on the coding strand, the complement: PHOX2B is on the minus strand). VCF-style: chr4-41746034-C-G. GRCh37 (hg19) VCF-style: chr4-41748051-C-G.
Other names: short protein forms G240R.
Identifiers: ClinVar variation 3223596 (VCV003223596.1), dbSNP rs1183113572, ClinGen allele CA356737281.
Genomic context (GRCh38, chr4:41,746,034, plus strand): 5'-CTGCCGCCGCTGCCGCTGCCGCCGCCGCCGCTGCCGCGGCCGCCGCCGCTGCTGCTGCGC[C>G]GCCCTTGCCGGGTTCGCCTCCCGGGCCCCCGGGCCCCGCCGCCCCCGGAGCTCCAGCCGG-3'
Protein context (NP_003915.2, residues 230-250): GGPGGEPGKG[Gly240Arg]AAAAAAAAAA